The following is an entry in ClinVar:

NM_000038.6(APC):c.1647G>A (p.Arg549=)

Gene: APC (APC regulator of Wnt signaling pathway; plus strand). Cytogenetic location: 5q22.2.
Variant type: single nucleotide variant.
Coding change: c.1647G>A on transcript NM_000038.6 (MANE Select); coding-DNA position 1647, G replaced by A.
Protein change: p.Arg549=; no amino-acid change (arginine 549 retained).
Molecular consequence: synonymous variant.
Genome position (GRCh38, 1-based): chr5:112,828,876, G>A. VCF-style: chr5-112828876-G-A. GRCh37 (hg19) VCF-style: chr5-112164573-G-A.
Other names: c.1647G>A, p.Arg549= (NM_001127510.3, NM_001354895.2); c.1593G>A, p.Arg531= (NM_001127511.3); c.1701G>A, p.Arg567= (NM_001354896.2); c.1677G>A, p.Arg559= (NM_001354897.2); c.1572G>A, p.Arg524= (NM_001354898.2); c.1563G>A, p.Arg521= (NM_001354899.2); c.1524G>A, p.Arg508= (NM_001354900.2); c.1470G>A, p.Arg490= (NM_001354901.2); and 5 more.
Identifiers: ClinVar variation 384361 (VCV000384361.17), dbSNP rs1057521935, ClinGen allele CA16604744.

ClinVar aggregate classification (germline): Benign/Likely benign. Review status: criteria provided, multiple submitters, no conflicts (2 of 4 stars). 5 submissions from 5 submitters: Benign (1); Likely benign (4). Last evaluated 2024-08-27.

Conditions:
Hereditary cancer-predisposing syndrome. Also called: Hereditary Cancer Syndrome; Hereditary neoplastic syndrome; Neoplastic Syndromes, Hereditary; Tumor predisposition. Identifiers: Orphanet 140162, MedGen C0027672, MeSH D009386, MONDO:0015356.
Familial adenomatous polyposis 1 (FAP1). Also called: FAMILIAL ADENOMATOUS POLYPOSIS 1, ATTENUATED; POLYPOSIS, ADENOMATOUS INTESTINAL. Identifiers: MedGen C2713442, MONDO:0021056, OMIM 175100. Disease mechanism: loss of function.

Allele frequency attached by ClinVar (database versions not stated): gnomAD exomes below 0.00001.
gnomAD v4.1: 2 of 1,613,364 alleles (0.00012%); highest among the groups gnomAD compares: Non-Finnish European, 0.00017%; no homozygotes.

Submissions (5):

Labcorp Genetics (formerly Invitae), Labcorp
Classification: Likely benign for Familial adenomatous polyposis 1. Last evaluated: 2024-08-27. Review status: criteria provided, single submitter. Criteria: Invitae Variant Classification Sherloc (09022015). Collection method: clinical testing. Allele origin: germline.

Myriad Genetics, Inc.
Classification: Benign for Familial adenomatous polyposis 1. Last evaluated: 2024-03-06. Review status: criteria provided, single submitter. Criteria: Myriad Autosomal Dominant, Autosomal Recessive and X-Linked Classification Criteria (2023). Collection method: clinical testing. Allele origin: unknown.
Comment: This variant is considered benign. This variant is a silent/synonymous amino acid change and it is not expected to impact splicing.

Color Diagnostics, LLC DBA Color Health
Classification: Likely benign for Hereditary cancer-predisposing syndrome. Last evaluated: 2018-11-29. Review status: criteria provided, single submitter. Criteria: ACMG Guidelines, 2015. Collection method: clinical testing. Allele origin: germline.

Ambry Genetics
Classification: Likely benign for Hereditary cancer-predisposing syndrome. Last evaluated: 2018-01-25. Review status: criteria provided, single submitter. Criteria: Ambry Variant Classification Scheme 2023. Collection method: clinical testing. Allele origin: germline.

GeneDx
Classification: Likely benign. Last evaluated: 2016-02-29. Review status: criteria provided, single submitter. Criteria: GeneDx Variant Classification (06012015). Collection method: clinical testing. Allele origin: germline. Affected: yes.
Comment: This variant is considered likely benign or benign based on one or more of the following criteria: it is a conservative change, it occurs at a poorly conserved position in the protein, it is predicted to be benign by multiple in silico algorithms, and/or has population frequency not consistent with disease.